The following is an entry in ClinVar:

ClinVar aggregate classification (germline): Uncertain significance; risk factor. Review status: criteria provided, multiple submitters, no conflicts (2 of 4 stars). 2 submissions from 2 submitters: Uncertain significance (1). Last evaluated 2021-12-02.

Conditions:
Cerebral palsy. Identifiers: MedGen C0007789, MONDO:0006497, HP:0100021.
Hereditary factor VIII deficiency disease (HEMA). Also called: Hemophilia A; HEMOPHILIA, CLASSIC; AUTOSOMAL HEMOPHILIA A; Hemophilia A, congenital; HEM A; Factor 8 deficiency, congenital. Identifiers: Orphanet 98878, MedGen C0019069, MONDO:0010602, OMIM 306700.

Submissions (2):

Genetics and Molecular Pathology, SA Pathology
Classification: Uncertain significance for Hereditary factor VIII deficiency disease. Last evaluated: 2021-12-02. Review status: criteria provided, single submitter. Criteria: ACMG Guidelines, 2015. Collection method: clinical testing. Allele origin: germline. Inheritance: X-linked recessive inheritance. Affected: yes.

Neurogenetics Research Program, University of Adelaide
Classification: risk factor for Cerebral palsy. Last evaluated: 2021-06-10. Review status: criteria provided, single submitter. Criteria: ACMG Guidelines, 2015. Collection method: research. Allele origin: paternal, unknown. Inheritance: X-linked inheritance. Affected: yes. Observed: 2 variant alleles.

NM_000132.4(F8):c.5146C>A (p.His1716Asn)

Gene: F8 (coagulation factor VIII; minus strand). Cytogenetic location: Xq28.
Variant type: single nucleotide variant.
Coding change: c.5146C>A on transcript NM_000132.4 (MANE Select); coding-DNA position 5146, C replaced by A.
Protein change: p.His1716Asn; replaces histidine 1716 with asparagine.
Molecular consequence: missense variant.
Genome position (GRCh38, 1-based): chrX:154,928,644, G>T on the plus strand (C>A on the coding strand, the complement: F8 is on the minus strand). VCF-style: chrX-154928644-G-T. GRCh37 (hg19) VCF-style: chrX-154156919-G-T.
Other names: short protein forms H1716N.
Identifiers: ClinVar variation 1172825 (VCV001172825.3), dbSNP rs2073172888, ClinGen allele CA414913739.